The following is an entry in ClinVar:

ClinVar aggregate classification (germline): Pathogenic (1 of 4 stars; one submission).

Conditions:
Hypertrophic cardiomyopathy. Also called: HYPERTROPHIC MYOCARDIOPATHY. Identifiers: Orphanet 217569, MedGen C0007194, MeSH D002312, MONDO:0005045, HP:0001639.

Submission:

Labcorp Genetics (formerly Invitae), Labcorp
Classification: Pathogenic for Hypertrophic cardiomyopathy. Last evaluated: 2025-03-26. Review status: criteria provided, single submitter. Criteria: Invitae Variant Classification Sherloc (09022015). Collection method: clinical testing. Allele origin: germline.
Comment: This sequence change creates a premature translational stop signal (p.Ala898Serfs*153) in the MYBPC3 gene. It is expected to result in an absent or disrupted protein product. Loss-of-function variants in MYBPC3 are known to be pathogenic (PMID: 19574547). This variant is not present in population databases (gnomAD no frequency). This variant has not been reported in the literature in individuals affected with MYBPC3-related conditions. For these reasons, this variant has been classified as Pathogenic.

Literature cited by the submitters: PubMed 19574547.

NM_000256.3(MYBPC3):c.2687dup (p.Ala898fs)

Gene: MYBPC3 (myosin binding protein C3; minus strand). Cytogenetic location: 11p11.2.
Variant type: Duplication.
Coding change: c.2687dup on transcript NM_000256.3 (MANE Select); coding-DNA position 2687, one base duplicated (T; older notation c.2687dupT).
Protein change: p.Ala898fs; shifts the reading frame from alanine 898.
Molecular consequence: frameshift variant.
Genome position (GRCh38, 1-based): chr11:47,335,927, A duplicated on the plus strand (T on the coding strand, the reverse complement: MYBPC3 is on the minus strand). VCF-style (leftmost placement, unchanged base first): chr11-47335926-C-CA. GRCh37 (hg19) VCF-style: chr11-47357477-C-CA.
Other names: short protein forms A898fs.
Identifiers: ClinVar variation 4716004 (VCV004716004.1).
Genomic context (GRCh38, chr11:47,335,926, plus strand): 5'-GGGACACTCACAGCCCTCTGGGCAGTACTCCACGCTGTAGCCATCCAGGCCTCCTGCTCC[C>CA]ACGCGCTCTGGGGGCCGCCACTTGAGGGAGACCGTGGTGTCAGAGACGTCCTCTACTGCC-3'